The following is an entry in ClinVar:

ClinVar aggregate classification (germline): Pathogenic/Likely pathogenic. Review status: criteria provided, multiple submitters, no conflicts (2 of 4 stars). 2 submissions from 2 submitters: Pathogenic (1); Likely pathogenic (1). Last evaluated 2025-03-05.

Conditions:
Stickler syndrome type 1 (STL1). Also called: ARTHROOPHTHALMOPATHY, HEREDITARY PROGRESSIVE; STICKLER SYNDROME, MEMBRANOUS VITREOUS TYPE; STICKLER SYNDROME, VITREOUS TYPE 1; COL2A1-Related Stickler Syndrome. Identifiers: Orphanet 828, Orphanet 90653, MedGen C2020284, MONDO:0007160, OMIM 108300.

Submissions (2):

Labcorp Genetics (formerly Invitae), Labcorp
Classification: Pathogenic. Last evaluated: 2025-03-05. Review status: criteria provided, single submitter. Criteria: Invitae Variant Classification Sherloc (09022015). Collection method: clinical testing. Allele origin: germline.
Comment: This sequence change creates a premature translational stop signal (p.Gln656*) in the COL2A1 gene. It is expected to result in an absent or disrupted protein product. Loss-of-function variants in COL2A1 are known to be pathogenic (PMID: 20179744). This variant is not present in population databases (gnomAD no frequency). This variant has not been reported in the literature in individuals affected with COL2A1-related conditions. ClinVar contains an entry for this variant (Variation ID: 1709832). For these reasons, this variant has been classified as Pathogenic.

MGZ Medical Genetics Center
Classification: Likely pathogenic for Stickler syndrome type 1. Last evaluated: 2021-10-15. Review status: criteria provided, single submitter. Criteria: ACMG Guidelines, 2015. Collection method: clinical testing. Allele origin: germline. Affected: yes. Observed: 1 variant allele.
Comment: ACMG criteria applied: PVS1, PM2_SUP

Literature cited by the submitters: PubMed 20179744 (cited by Labcorp Genetics (formerly Invitae), Labcorp).

NM_001844.5(COL2A1):c.1966C>T (p.Gln656Ter)

Gene: COL2A1 (collagen type II alpha 1 chain; minus strand). Cytogenetic location: 12q13.11.
Variant type: single nucleotide variant.
Coding change: c.1966C>T on transcript NM_001844.5 (MANE Select); coding-DNA position 1966, C replaced by T.
Protein change: p.Gln656Ter; replaces glutamine 656 with a stop codon.
Molecular consequence: nonsense.
Genome position (GRCh38, 1-based): chr12:47,983,712, G>A on the plus strand (C>T on the coding strand, the complement: COL2A1 is on the minus strand). VCF-style: chr12-47983712-G-A. GRCh37 (hg19) VCF-style: chr12-48377495-G-A.
Other names: c.1759C>T, p.Gln587Ter (NM_033150.3); short protein forms Q587*, Q656*.
Identifiers: ClinVar variation 1709832 (VCV001709832.3), dbSNP rs2540139953, ClinGen allele CA384548497.